The following is an entry in ClinVar:

NM_015450.3(POT1):c.-4A>G

Gene: POT1 (protection of telomeres 1; minus strand). Cytogenetic location: 7q31.33.
Variant type: single nucleotide variant.
Coding change: c.-4A>G on transcript NM_015450.3 (MANE Select); 4 bases upstream of the start codon, A replaced by G.
Molecular consequence: 5 prime UTR variant. On other transcripts: non-coding transcript variant (3).
Genome position (GRCh38, 1-based): chr7:124,897,177, T>C on the plus strand (A>G on the coding strand, the complement: POT1 is on the minus strand). VCF-style: chr7-124897177-T-C. GRCh37 (hg19) VCF-style: chr7-124537231-T-C.
Other names: c.-266A>G (NM_001042594.2).
Identifiers: ClinVar variation 1744682 (VCV001744682.3), dbSNP rs1796511999, ClinGen allele CA1740766664.

ClinVar aggregate classification (germline): Uncertain significance (1 of 4 stars; one submission).

Conditions:
Hereditary cancer-predisposing syndrome. Also called: Hereditary Cancer Syndrome; Neoplastic Syndromes, Hereditary; Tumor predisposition; Hereditary neoplastic syndrome. Identifiers: Orphanet 140162, MedGen C0027672, MeSH D009386, MONDO:0015356.

Allele frequency attached by ClinVar (database versions not stated): TOPMed 0.00001.

Submission:

Ambry Genetics
Classification: Uncertain significance for Hereditary cancer-predisposing syndrome. Last evaluated: 2025-08-13. Review status: criteria provided, single submitter. Criteria: Ambry Variant Classification Scheme 2023. Collection method: clinical testing. Allele origin: germline.
Comment: The c.-4A>G variant is located in the 5' untranslated region (5&rsquo; UTR) of the POT1 gene. This variant results from an A to G substitution 4 bases upstream from the first translated codon. This nucleotide position is well conserved in available vertebrate species. Since supporting evidence is limited at this time, the clinical significance of this alteration remains unclear.